The following is an entry in ClinVar:

ClinVar aggregate classification (germline): Uncertain significance (1 of 4 stars; one submission).

gnomAD v4.1: 14 of 1,580,222 alleles (0.00089%); highest among the groups gnomAD compares: Admixed American, 0.0093%; no homozygotes.

Submission:

Labcorp Genetics (formerly Invitae), Labcorp
Classification: Uncertain significance. Last evaluated: 2022-05-27. Review status: criteria provided, single submitter. Criteria: Invitae Variant Classification Sherloc (09022015). Collection method: clinical testing. Allele origin: germline.
Comment: This sequence change replaces glycine, which is neutral and non-polar, with tryptophan, which is neutral and slightly polar, at codon 30 of the EIF2B5 protein (p.Gly30Trp). The frequency data for this variant in the population databases is considered unreliable, as metrics indicate poor data quality at this position in the gnomAD database. This variant has not been reported in the literature in individuals affected with EIF2B5-related conditions. Advanced modeling of protein sequence and biophysical properties (such as structural, functional, and spatial information, amino acid conservation, physicochemical variation, residue mobility, and thermodynamic stability) performed at Invitae indicates that this missense variant is expected to disrupt EIF2B5 protein function. In summary, the available evidence is currently insufficient to determine the role of this variant in disease. Therefore, it has been classified as a Variant of Uncertain Significance.

NM_003907.3(EIF2B5):c.88G>T (p.Gly30Trp)

Genes: EIF2B5 (eukaryotic translation initiation factor 2B subunit epsilon; plus strand), LOC129938041 (ATAC-STARR-seq lymphoblastoid silent region 14954; plus strand). Cytogenetic location: 3q27.1.
Variant type: single nucleotide variant.
Coding change: c.88G>T on transcript NM_003907.3 (MANE Select); coding-DNA position 88, G replaced by T.
Protein change: p.Gly30Trp; replaces glycine 30 with tryptophan.
Molecular consequence: missense variant.
Genome position (GRCh38, 1-based): chr3:184,135,473, G>T. VCF-style: chr3-184135473-G-T. GRCh37 (hg19) VCF-style: chr3-183853261-G-T.
Other names: short protein forms G30W.
Identifiers: ClinVar variation 2417403 (VCV002417403.4), dbSNP rs771139224, ClinGen allele CA2726315.